The following is an entry in ClinVar:

NM_000059.4(BRCA2):c.1423G>C (p.Glu475Gln)

Gene: BRCA2 (BRCA2 DNA repair associated; plus strand). Cytogenetic location: 13q13.1.
Variant type: single nucleotide variant.
Coding change: c.1423G>C on transcript NM_000059.4 (MANE Select); coding-DNA position 1423, G replaced by C.
Protein change: p.Glu475Gln; replaces glutamic acid 475 with glutamine.
Molecular consequence: missense variant. On other transcripts: non-coding transcript variant (1), intron variant (1).
Genome position (GRCh38, 1-based): chr13:32,332,901, G>C. VCF-style: chr13-32332901-G-C. GRCh37 (hg19) VCF-style: chr13-32907038-G-C.
Other names: c.1423G>C, p.Glu475Gln (NM_001406719.1, NM_001406720.1, NM_001406721.1 and 1 more transcripts); c.424+1871G>C (NM_001406722.1); short protein forms E475Q.
Identifiers: ClinVar variation 4826884 (VCV004826884.1).

ClinVar aggregate classification (germline): Uncertain significance (1 of 4 stars; one submission).

Conditions:
Hereditary cancer-predisposing syndrome. Also called: Neoplastic Syndromes, Hereditary; Tumor predisposition; Hereditary Cancer Syndrome; Hereditary neoplastic syndrome. Identifiers: Orphanet 140162, MedGen C0027672, MeSH D009386, MONDO:0015356.

Submission:

Ambry Genetics
Classification: Uncertain significance for Hereditary cancer-predisposing syndrome. Last evaluated: 2026-02-28. Review status: criteria provided, single submitter. Criteria: Ambry Variant Classification Scheme 2023. Collection method: clinical testing. Allele origin: germline.
Comment: The p.E475Q variant (also known as c.1423G>C), located in coding exon 9 of the BRCA2 gene, results from a G to C substitution at nucleotide position 1423. The glutamic acid at codon 475 is replaced by glutamine, an amino acid with highly similar properties. This amino acid position is conserved. In addition, this alteration is predicted to be tolerated by in silico analysis. Based on the available evidence, the clinical significance of this variant remains unclear.